The following is an entry in ClinVar:

NM_001128840.3(CACNA1D):c.3601G>C (p.Val1201Leu)

Gene: CACNA1D (calcium voltage-gated channel subunit alpha1 D; plus strand). Cytogenetic location: 3p21.1.
Variant type: single nucleotide variant.
Coding change: c.3601G>C on transcript NM_001128840.3 (MANE Select); coding-DNA position 3601, G replaced by C.
Protein change: p.Val1201Leu; replaces valine 1201 with leucine.
Molecular consequence: missense variant.
Genome position (GRCh38, 1-based): chr3:53,751,833, G>C. VCF-style: chr3-53751833-G-C. GRCh37 (hg19) VCF-style: chr3-53785860-G-C.
Other names: c.3661G>C, p.Val1221Leu (NM_000720.4); c.3601G>C, p.Val1201Leu (NM_001128839.3); short protein forms V1201L, V1221L.
Identifiers: ClinVar variation 3344783 (VCV003344783.1).
Genomic context (GRCh38, chr3:53,751,833, plus strand): 5'-AAAGCACGTCCCTTGCGGAGATACATCCCCAAAAACCCCTACCAGTACAAGTTCTGGTAC[G>C]TGGTGAACTCTTCGCCTTTCGAATACATGATGTTTGTCCTCATCATGCTCAACACACTCT-3'
Protein context (NP_001122312.1, residues 1191-1211): KNPYQYKFWY[Val1201Leu]VNSSPFEYMM

ClinVar aggregate classification (germline): Uncertain significance (0 of 4 stars; one submission).

Conditions:
CACNA1D-related disorder.

Submission:

PreventionGenetics, part of Exact Sciences
Classification: Uncertain significance for CACNA1D-related condition. Last evaluated: 2024-09-21. Review status: no assertion criteria provided. Collection method: clinical testing. Allele origin: germline.
Comment: The CACNA1D c.3661G>C variant is predicted to result in the amino acid substitution p.Val1221Leu. To our knowledge, this variant has not been reported in the literature or in a large population database, indicating this variant is rare. At this time, the clinical significance of this variant is uncertain due to the absence of conclusive functional and genetic evidence.